The following is an entry in ClinVar:

ClinVar aggregate classification (germline): Likely benign (1 of 4 stars; one submission).

Allele frequency attached by ClinVar (database versions not stated): gnomAD exomes 0.00033; gnomAD 0.00326 and 0.00351; TOPMed 0.00360; 1000 Genomes Project 0.00399; 1000 Genomes Project 30x 0.00437.
gnomAD v4.1: 730 of 861,588 alleles (0.085%); highest among the groups gnomAD compares: African/African-American, 1.1%; 2 homozygotes.

Submission:

GeneDx
Classification: Likely benign. Last evaluated: 2018-06-14. Review status: criteria provided, single submitter. Criteria: GeneDx Variant Classification (06012015). Collection method: clinical testing. Allele origin: germline. Affected: yes.
Comment: This variant is considered likely benign or benign based on one or more of the following criteria: it is a conservative change, it occurs at a poorly conserved position in the protein, it is predicted to be benign by multiple in silico algorithms, and/or has population frequency not consistent with disease.

NM_006393.3(NEBL):c.1671+104A>G

Gene: NEBL (nebulette; minus strand). Cytogenetic location: 10p12.31.
Variant type: single nucleotide variant.
Coding change: c.1671+104A>G on transcript NM_006393.3 (MANE Select); 104 bases into the intron after coding-DNA position 1671, A replaced by G.
Molecular consequence: intron variant.
Genome position (GRCh38, 1-based): chr10:20,831,092, T>C on the plus strand (A>G on the coding strand, the complement: NEBL is on the minus strand). VCF-style: chr10-20831092-T-C. GRCh37 (hg19) VCF-style: chr10-21120021-T-C.
Other names: c.250-18152A>G (NM_001377326.1, NM_001377327.1, NM_001377328.1); c.358-18152A>G (NM_213569.2, NM_001173484.2, NM_001377322.1); c.301-18152A>G (NM_001377324.1); c.292-18152A>G (NM_001377325.1); c.310-18152A>G (NM_001377323.1).
Identifiers: ClinVar variation 676628 (VCV000676628.1), dbSNP rs79358035, ClinGen allele CA204164026.